The following is an entry in ClinVar:

ClinVar aggregate classification (germline): Pathogenic (1 of 4 stars; one submission).

Conditions:
Joubert syndrome and related disorders. Identifiers: Orphanet 140874, MedGen C5679612, MONDO:0015369.

Submission:

Myriad Genetics, Inc.
Classification: Pathogenic for Joubert syndrome and related disorders. Last evaluated: 2026-05-26. Review status: criteria provided, single submitter. Criteria: Myriad Autosomal Dominant, Autosomal Recessive and X-Linked Classification Criteria (2023). Collection method: clinical testing. Allele origin: unknown.
Comment: NM_001080522.2(CC2D2A):c.1384C>T(Q462*) is expected to be pathogenic in the context of CC2D2A-related disorders. This variant is predicted to lead to an abnormal or absent protein product due to the creation of a premature termination codon in CC2D2A, a gene where loss-of-function variants are known to be pathogenic. Please note: this variant was assessed in the context of healthy population screening.

NM_001378615.1(CC2D2A):c.1384C>T (p.Gln462Ter)

Genes: CC2D2A (coiled-coil and C2 domain containing 2A; plus strand), FBXL5 (F-box and leucine rich repeat protein 5; minus strand). Cytogenetic location: 4p15.32.
Variant type: single nucleotide variant.
Coding change: c.1384C>T on transcript NM_001378615.1 (MANE Select); coding-DNA position 1384, C replaced by T.
Protein change: p.Gln462Ter; replaces glutamine 462 with a stop codon.
Molecular consequence: nonsense.
Genome position (GRCh38, 1-based): chr4:15,528,644, C>T. VCF-style: chr4-15528644-C-T. GRCh37 (hg19) VCF-style: chr4-15530267-C-T.
Other names: c.1384C>T, p.Gln462Ter (NM_001080522.2); c.1237C>T, p.Gln413Ter (NM_001378617.1); short protein forms Q413*, Q462*.
Identifiers: ClinVar variation 5015957 (VCV005015957.1).